The following is an entry in ClinVar:

NM_139137.4(KCNC2):c.620G>C (p.Arg207Pro)

Gene: KCNC2 (potassium voltage-gated channel subfamily C member 2; minus strand). Cytogenetic location: 12q21.1.
Variant type: single nucleotide variant.
Coding change: c.620G>C on transcript NM_139137.4 (MANE Select); coding-DNA position 620, G replaced by C.
Protein change: p.Arg207Pro; replaces arginine 207 with proline.
Molecular consequence: missense variant. On other transcripts: non-coding transcript variant (2).
Genome position (GRCh38, 1-based): chr12:75,207,364, C>G on the plus strand (G>C on the coding strand, the complement: KCNC2 is on the minus strand). VCF-style: chr12-75207364-C-G. GRCh37 (hg19) VCF-style: chr12-75601144-C-G.
Other names: c.620G>C, p.Arg207Pro (NM_001260497.2, NM_001260498.2, NM_001260499.2 and 13 more transcripts); short protein forms R207P.
Identifiers: ClinVar variation 4293674 (VCV004293674.1).

ClinVar aggregate classification (germline): Uncertain significance (1 of 4 stars; one submission).

Conditions:
Developmental and epileptic encephalopathy 103 (DEE103). Identifiers: MedGen C5677002, MONDO:0030957, OMIM 619913.

Submission:

3billion
Classification: Uncertain significance for Developmental and epileptic encephalopathy 103. Last evaluated: 2025-02-21. Review status: criteria provided, single submitter. Criteria: ACMG Guidelines, 2015. Collection method: clinical testing. Allele origin: germline. Affected: yes.
Comment: The variant is not observed in the gnomAD v4.1.0 dataset. Predicted Consequence/Location: Missense variant. Missense changes are a common disease-causing mechanism. In silico tool predictions suggest damaging effect of the variant on gene or gene product [REVEL: 0.65 (>=0.6, sensitivity 0.68 and specificity 0.92)]. Therefore, this variant is classified as VUS according to the recommendation of ACMG/AMP guideline.